The following is an entry in ClinVar:

NM_000093.5(COL5A1):c.5085G>T (p.Trp1695Cys)

Genes: COL5A1 (collagen type V alpha 1 chain; plus strand), LOC101448202 (uncharacterized LOC101448202; minus strand). Cytogenetic location: 9q34.3.
Variant type: single nucleotide variant.
Coding change: c.5085G>T on transcript NM_000093.5 (MANE Select); coding-DNA position 5085, G replaced by T.
Protein change: p.Trp1695Cys; replaces tryptophan 1695 with cysteine.
Molecular consequence: missense variant. On other transcripts: intron variant (1).
Genome position (GRCh38, 1-based): chr9:134,829,993, G>T. VCF-style: chr9-134829993-G-T. GRCh37 (hg19) VCF-style: chr9-137721839-G-T.
Other names: c.5068-115G>T (NM_001278074.1); short protein forms W1695C.
Identifiers: ClinVar variation 1745243 (VCV001745243.2), dbSNP rs1294625593, ClinGen allele CA375459313.

ClinVar aggregate classification (germline): Uncertain significance (1 of 4 stars; one submission).

Conditions:
Familial thoracic aortic aneurysm and aortic dissection (TAAD). Also called: Thoracic aortic aneurysms and dissections. Identifiers: Orphanet 91387, MedGen C4707243, MONDO:0019625.

Allele frequency attached by ClinVar (database versions not stated): gnomAD exomes below 0.00001; TOPMed below 0.00001; gnomAD 0.00001.
gnomAD v4.1: 2 of 1,613,598 alleles (0.00012%); highest among the groups gnomAD compares: Non-Finnish European, 0.00017%; no homozygotes.

Submission:

Ambry Genetics
Classification: Uncertain significance for Familial thoracic aortic aneurysm and aortic dissection. Last evaluated: 2021-03-18. Review status: criteria provided, single submitter. Criteria: Ambry Variant Classification Scheme 2023. Collection method: clinical testing. Allele origin: germline.
Comment: The p.W1695C variant (also known as c.5085G>T), located in coding exon 64 of the COL5A1 gene, results from a G to T substitution at nucleotide position 5085. The tryptophan at codon 1695 is replaced by cysteine, an amino acid with highly dissimilar properties. This amino acid position is highly conserved in available vertebrate species. In addition, this alteration is predicted to be deleterious by in silico analysis. Since supporting evidence is limited at this time, the clinical significance of this alteration remains unclear.